The following is an entry in ClinVar:

ClinVar aggregate classification (germline): Conflicting classifications of pathogenicity. Review status: criteria provided, conflicting classifications (1 of 4 stars). 9 submissions from 9 submitters: Pathogenic (3); Likely pathogenic (3); Uncertain significance (2). 1 of the submissions does not count toward it. Last evaluated 2025-12-24.

Conditions:
Recessive dystrophic epidermolysis bullosa (RDEB). Also called: Hallopeau-Siemens Disease; severe generalized recessive dystrophic epidermolysis bullosa; Epidermolysis Bullosa Distrophica Autosomal Recessive (RDEB); EPIDERMOLYSIS BULLOSA DYSTROPHICA, GENERALIZED SEVERE, AUTOSOMAL RECESSIVE; Recessive DEB (RDEB); DYSTROPHIC EPIDERMOLYSIS BULLOSA, AUTOSOMAL RECESSIVE. Identifiers: Orphanet 79408, Orphanet 79409, MedGen C0079474, MONDO:0009179, OMIM 226600.
COL7A1-related disorder. Also called: COL7A1-related condition; COL7A1- related disorders.
Generalized dominant dystrophic epidermolysis bullosa (DDEB). Also called: DDEB, generalized; DDEB-gen; DYSTROPHIC EPIDERMOLYSIS BULLOSA, AUTOSOMAL DOMINANT; Epidermolysis bullosa dystrophica, autosomal dominant; Dominant DEB (DDEB). Identifiers: Orphanet 231568, MedGen C0432322, MONDO:0007549, OMIM 131750.
Pretibial dystrophic epidermolysis bullosa. Also called: EPIDERMOLYSIS BULLOSA DYSTROPHICA, PRETIBIAL; Pretibial blistering; Pretibial epidermolysis bullosa. Identifiers: Orphanet 79410, MedGen C0432321, MONDO:0007552, OMIM 131850, HP:0012221.
Nonsyndromic congenital nail disorder 8. Also called: TOENAIL DYSTROPHY, ISOLATED. Identifiers: MedGen C1843761, MONDO:0011852, OMIM 607523.
Dominant dystrophic epidermolysis bullosa with absence of skin. Also called: EPIDERMOLYSIS BULLOSA WITH CONGENITAL LOCALIZED ABSENCE OF SKIN AND DEFORMITY OF NAILS; EPIDERMOLYSIS BULLOSA DYSTROPHICA, BART TYPE. Identifiers: MedGen C0268371, MONDO:0007557, OMIM 132000.
Transient bullous dermolysis of the newborn (TBDN). Also called: DYSTROPHIC EPIDERMOLYSIS BULLOSA, NEONATAL; EPIDERMOLYSIS BULLOSA DYSTROPHICA, NEONATAL FORM. Identifiers: Orphanet 79411, MedGen C1851573, MONDO:0007548, OMIM 131705.
Epidermolysis bullosa pruriginosa. Also called: DEB, PRURIGINOSA; DYSTROPHIC EPIDERMOLYSIS BULLOSA PRURIGINOSA. Identifiers: Orphanet 89843, MedGen C1275114, MONDO:0011398, OMIM 604129.
Epidermolysis bullosa dystrophica. Also called: Dystrophic epidermolysis bullosa, Hallopeau-Siemens type (formerly); Dystrophic epidermolysis bullosa. Identifiers: Orphanet 303, MedGen C0079294, MONDO:0006543.

Allele frequency attached by ClinVar (database versions not stated): gnomAD exomes below 0.00001 and 0.00001; ExAC 0.00001; TOPMed 0.00001; gnomAD 0.00002.
gnomAD v4.1: 17 of 1,612,260 alleles (0.0011%); highest among the groups gnomAD compares: Non-Finnish European, 0.0014%; no homozygotes.

Submissions (9):

Natera, Inc.
Classification: Likely pathogenic for Dystrophic epidermolysis bullosa. Last evaluated: 2025-12-24. Review status: criteria provided, single submitter. Criteria: Natera Variant Classification Schema (03/2026). Collection method: clinical testing. Allele origin: germline.
Comment: The c.7068+5G>A variant in COL7A1 is an intronic variant located outside the canonical splice sites. This variant is rare in the general population with a frequency below the threshold expected for the associated phenotype(s). This variant has been observed in one or more individuals affected with the associated recessive disease, as either homozygous or compound heterozygous with a second variant (PMID: 40701620, 35779740, 19681861, 20818854). This variant has been identified in one or more affected individual with a phenotype highly consistent with the associated gene (PMID: 40701620). Computational prediction algorithms indicate this variant is likely to affect gene or protein function. Given the available evidence, this variant is classified as Likely Pathogenic.

Fulgent Genetics
Classification: Likely pathogenic for Transient bullous dermolysis of the newborn; Generalized dominant dystrophic epidermolysis bullosa; Pretibial dystrophic epidermolysis bullosa; Dominant dystrophic epidermolysis bullosa with absence of skin; Recessive dystrophic epidermolysis bullosa; Epidermolysis bullosa pruriginosa; Nonsyndromic congenital nail disorder 8. Last evaluated: 2024-03-22. Review status: criteria provided, single submitter. Criteria: ACMG Guidelines, 2015. Collection method: clinical testing. Allele origin: germline.

GeneDx
Classification: Likely pathogenic. Last evaluated: 2024-03-22. Review status: criteria provided, single submitter. Criteria: GeneDx Variant Classification Process June 2021. Collection method: clinical testing. Allele origin: germline. Affected: yes.
Comment: Intronic +5 splice site variant in a gene for which loss of function is a known mechanism of disease, and both splice predictors and evolutionary conservation support a deleterious effect, although in the absence of functional evidence the actual effect of this sequence change is unknown.; This variant is associated with the following publications: (PMID: 25525159, 19681861, 35979658, 31216405)

Labcorp Genetics (formerly Invitae), Labcorp
Classification: Pathogenic. Last evaluated: 2023-10-08. Review status: criteria provided, single submitter. Criteria: Invitae Variant Classification Sherloc (09022015). Collection method: clinical testing. Allele origin: germline.
Comment: This sequence change falls in intron 91 of the COL7A1 gene. It does not directly change the encoded amino acid sequence of the COL7A1 protein. It affects a nucleotide within the consensus splice site. This variant is present in population databases (rs779875751, gnomAD 0.002%). This variant has been observed in individual(s) with autosomal recessive epidermolysis bullosa dystrophica (PMID: 19681861, 35979658). In at least one individual the data is consistent with being in trans (on the opposite chromosome) from a pathogenic variant. ClinVar contains an entry for this variant (Variation ID: 689753). Variants that disrupt the consensus splice site are a relatively common cause of aberrant splicing (PMID: 17576681, 9536098). Algorithms developed to predict the effect of sequence changes on RNA splicing suggest that this variant may disrupt the consensus splice site. For these reasons, this variant has been classified as Pathogenic.

Center for Research in Genodermatoses and Epidermolysis Bullosa, University of Buenos Aires
Classification: Pathogenic for Recessive dystrophic epidermolysis bullosa. Last evaluated: 2022-03-14. Review status: criteria provided, single submitter. Criteria: ACMG Guidelines, 2015. Collection method: clinical testing. Allele origin: maternal. Affected: yes. Observed: 1 variant allele, 1 compound heterozygote.

Illumina Laboratory Services, Illumina
Classification: Uncertain significance for Dystrophic epidermolysis bullosa. Last evaluated: 2017-04-28. Review status: criteria provided, single submitter. Criteria: ICSL Variant Classification Criteria 13 December 2019. Collection method: clinical testing. Allele origin: germline.
Comment: This variant was observed as part of a predisposition screen in an ostensibly healthy population. A literature search was performed for the gene, cDNA change, and amino acid change (where applicable). Publications were found based on this search. However, the evidence from the literature, in combination with allele frequency data from public databases where available, was not sufficient to rule this variant in or out of causing disease. Therefore, this variant is classified as a variant of unknown significance.

Biomedical Innovation Departament, CIEMAT
Classification: Pathogenic for Dystrophic epidermolysis bullosa. Last evaluated: 2014-02-12. Review status: criteria provided, single submitter. Criteria: ACMG Guidelines, 2015. Collection method: research. Allele origin: germline. Affected: yes. Observed: 4 variant alleles.

Baylor Genetics
Classification: Uncertain significance for Recessive dystrophic epidermolysis bullosa; Dominant dystrophic epidermolysis bullosa with absence of skin; Generalized dominant dystrophic epidermolysis bullosa; Epidermolysis bullosa pruriginosa; Pretibial dystrophic epidermolysis bullosa; Nonsyndromic congenital nail disorder 8; Transient bullous dermolysis of the newborn. Last evaluated: 2012-09-20. Review status: criteria provided, single submitter. Criteria: ACMG Guidelines, 2015. Collection method: clinical testing. Allele origin: germline. Affected: yes.

PreventionGenetics, part of Exact Sciences
Classification: Likely pathogenic for COL7A1-related condition. Last evaluated: 2024-03-06. Review status: no assertion criteria provided. Collection method: clinical testing. Allele origin: germline. Not counted in ClinVar's aggregate classification.
Comment: The COL7A1 c.7068+5G>A variant is predicted to interfere with splicing. Based on available splicing prediction programs (Alamut Visual v1.6.1; SpliceAI, Jaganathan et al. 2019. PubMed ID: 30661751), this variant is predicted to abolish the canonical splice donor site and result in an in-frame deletion of exon 91 (Table 2, Kern et al. 2009. PubMed ID: 19681861). This variant has been reported in individuals with autosomal recessive dystrophic epidermolysis bullosa (Kern et al. 2009. PubMed ID: 19681861; Table S2, Natale et al. 2022. PubMed ID: 35979658). This variant is reported in 0.0016% of alleles in individuals of European (Non-Finnish) descent in gnomAD. This variant is interpreted as likely pathogenic.

Literature cited by the submitters: PubMed 40701620 (cited by Natera, Inc.); PubMed 35779740 (cited by Natera, Inc.); PubMed 19681861 (cited by 5 submitters); PubMed 20818854 (cited by Natera, Inc.); PubMed 35979658 (cited by Labcorp Genetics (formerly Invitae), Labcorp and Center for Research in Genodermatoses and Epidermolysis Bullosa, University of Buenos Aires); PubMed 17576681 (cited by Labcorp Genetics (formerly Invitae), Labcorp); PubMed 9536098 (cited by Labcorp Genetics (formerly Invitae), Labcorp); PubMed 25525159 (cited by Illumina Laboratory Services, Illumina and Baylor Genetics); PubMed 8644730 (cited by Biomedical Innovation Departament, CIEMAT).

NM_000094.4(COL7A1):c.7068+5G>A

Gene: COL7A1 (collagen type VII alpha 1 chain; minus strand). Cytogenetic location: 3p21.31.
Variant type: single nucleotide variant.
Coding change: c.7068+5G>A on transcript NM_000094.4 (MANE Select); 5 bases into the intron after coding-DNA position 7068, G replaced by A.
Molecular consequence: intron variant.
Genome position (GRCh38, 1-based): chr3:48,571,996, C>T on the plus strand (G>A on the coding strand, the complement: COL7A1 is on the minus strand). VCF-style: chr3-48571996-C-T. GRCh37 (hg19) VCF-style: chr3-48609429-C-T.
Identifiers: ClinVar variation 689753 (VCV000689753.33), dbSNP rs779875751, ClinGen allele CA2378700.
Genomic context (GRCh38, chr3:48,571,996, plus strand): 5'-GGCCCCTTATGCCCGCCATCACACTCCTCAGGCCAGGCTCGCCCTTGCCTAGGCCCCGGA[C>T]TCACATCTTCCCCAGGGTCTCCGGGCTCCCCTGCACGGCCAGCTTCACCCTGCACAGAAT-3'